The following is an entry in ClinVar:

NM_005909.5(MAP1B):c.4552A>G (p.Lys1518Glu)

Gene: MAP1B (microtubule associated protein 1B; plus strand). Cytogenetic location: 5q13.2.
Variant type: single nucleotide variant.
Coding change: c.4552A>G on transcript NM_005909.5 (MANE Select); coding-DNA position 4552, A replaced by G.
Protein change: p.Lys1518Glu; replaces lysine 1518 with glutamic acid.
Molecular consequence: missense variant.
Genome position (GRCh38, 1-based): chr5:72,197,907, A>G. VCF-style: chr5-72197907-A-G. GRCh37 (hg19) VCF-style: chr5-71493734-A-G.
Other names: c.4174A>G, p.Lys1392Glu (NM_001324255.2); short protein forms K1392E, K1518E.
Identifiers: ClinVar variation 4051101 (VCV004051101.2).

ClinVar aggregate classification (germline): Uncertain significance. Review status: criteria provided, multiple submitters, no conflicts (2 of 4 stars). 2 submissions from 2 submitters: Uncertain significance (2). Last evaluated 2025-04-29.

Conditions:
Inborn genetic diseases. Identifiers: MedGen C0950123, MeSH D030342.

gnomAD v4.1: 15 of 1,614,204 alleles (0.00093%); highest among the groups gnomAD compares: Non-Finnish European, 0.0013%; no homozygotes.

Submissions (2):

GeneDx
Classification: Uncertain significance. Last evaluated: 2025-04-29. Review status: criteria provided, single submitter. Criteria: GeneDx Variant Classification Process June 2021. Collection method: clinical testing. Allele origin: germline. Affected: yes.
Comment: Not observed at significant frequency in large population cohorts (gnomAD); In silico analysis indicates that this missense variant does not alter protein structure/function; Has not been previously published as pathogenic or benign to our knowledge

Ambry Genetics
Classification: Uncertain significance for Inborn genetic diseases. Last evaluated: 2025-03-27. Review status: criteria provided, single submitter. Criteria: Ambry Variant Classification Scheme 2023. Collection method: clinical testing. Allele origin: germline.